The following is an entry in ClinVar:

NM_020921.4(NIN):c.3331C>G (p.Pro1111Ala)

Gene: NIN (ninein; minus strand). Cytogenetic location: 14q22.1.
Variant type: single nucleotide variant.
Coding change: c.3331C>G on transcript NM_020921.4 (MANE Select); coding-DNA position 3331, C replaced by G.
Protein change: p.Pro1111Ala; replaces proline 1111 with alanine.
Molecular consequence: missense variant. On other transcripts: intron variant (1).
Genome position (GRCh38, 1-based): chr14:50,757,699, G>C on the plus strand (C>G on the coding strand, the complement: NIN is on the minus strand). VCF-style: chr14-50757699-G-C. GRCh37 (hg19) VCF-style: chr14-51224417-G-C.
Other names: c.3331C>G, p.Pro1111Ala (NM_182944.3, NM_182946.2); c.2399+2158C>G (NM_016350.5); short protein forms P1111A.
Identifiers: ClinVar variation 129787 (VCV000129787.19), dbSNP rs2236316, ClinGen allele CA154089.
Genomic context (GRCh38, chr14:50,757,699, plus strand): 5'-GGTTTTGCTGTAAAAACTGCTCTGTTTGTTCCGCAGTATTTCCAAAAAACTCAGTAGCTG[G>C]CTCATCCAAACAAGAAGACATTACTAACCCTGGCTCTAACTTTTGTAGCCTCTGTTGCAA-3'
Protein context (NP_065972.4, residues 1101-1121): GLVMSSCLDE[Pro1111Ala]ATEFFGNTAE

ClinVar aggregate classification (germline): Benign. Review status: criteria provided, multiple submitters, no conflicts (2 of 4 stars). 6 submissions from 6 submitters: Benign (5). 1 of the submissions does not count toward it. Last evaluated 2026-02-03.

Conditions:
Seckel syndrome 7 (SCKL7). Identifiers: Orphanet 319675, MedGen C3553870, MONDO:0013922, OMIM 614851.

Allele frequency attached by ClinVar (database versions not stated): 1000 Genomes Project 30x 0.18613; 1000 Genomes Project 0.18630; gnomAD 0.20068 and 0.20343; TOPMed 0.20082; ESP Exome Variant Server 0.20091; ExAC 0.22719; gnomAD exomes 0.22737.
gnomAD v4.1: 388,636 of 1,613,862 alleles (24%); highest among the groups gnomAD compares: South Asian, 25%; 48,370 homozygotes.

Submissions (6):

Labcorp Genetics (formerly Invitae), Labcorp
Classification: Benign. Last evaluated: 2026-02-03. Review status: criteria provided, single submitter. Criteria: Invitae Variant Classification Sherloc (09022015). Collection method: clinical testing. Allele origin: germline.

Blueprint Genetics
Classification: Benign. Last evaluated: 2024-11-27. Review status: criteria provided, single submitter. Criteria: ACMG Guidelines, 2015. Collection method: clinical testing. Allele origin: germline.

Genome-Nilou Lab
Classification: Benign for Seckel syndrome 7. Last evaluated: 2021-09-05. Review status: criteria provided, single submitter. Criteria: ACMG Guidelines, 2015. Collection method: clinical testing. Allele origin: germline. Affected: no.

GeneDx
Classification: Benign. Last evaluated: 2018-11-12. Review status: criteria provided, single submitter. Criteria: GeneDx Variant Classification Process June 2021. Collection method: clinical testing. Allele origin: germline. Affected: yes.
Comment: This variant is associated with the following publications: (PMID: 32934817)

Breakthrough Genomics
Classification: Benign. Review status: criteria provided, single submitter. Criteria: ACMG Guidelines, 2015. Collection method: not provided. Allele origin: germline. Inheritance: Autosomal recessive inheritance. Affected: yes.

Genetic Services Laboratory, University of Chicago
Classification: Likely benign for AllHighlyPenetrant. Review status: no assertion criteria provided. Collection method: clinical testing. Allele origin: germline. Inheritance: Autosomal recessive inheritance. Not counted in ClinVar's aggregate classification.
Comment: Likely benign based on allele frequency in 1000 Genomes Project or ESP global frequency and its presence in a patient with a rare or unrelated disease phenotype. NOT Sanger confirmed.